The following is an entry in ClinVar:

ClinVar aggregate classification (germline): Uncertain significance (1 of 4 stars; one submission).

Allele frequency attached by ClinVar (database versions not stated): gnomAD 0.00001 and 0.00002; gnomAD exomes 0.00001 and 0.00004; TOPMed 0.00002; ExAC 0.00004; 1000 Genomes Project 30x 0.00031; 1000 Genomes Project 0.00040.
gnomAD v4.1: 11 of 1,613,922 alleles (0.00068%); highest among the groups gnomAD compares: East Asian, 0.022%; no homozygotes.

Submission:

Labcorp Genetics (formerly Invitae), Labcorp
Classification: Uncertain significance. Last evaluated: 2022-02-04. Review status: criteria provided, single submitter. Criteria: Invitae Variant Classification Sherloc (09022015). Collection method: clinical testing. Allele origin: germline.
Comment: This sequence change replaces alanine, which is neutral and non-polar, with threonine, which is neutral and polar, at codon 274 of the OSGEP protein (p.Ala274Thr). This variant is present in population databases (rs571541617, gnomAD 0.05%). This variant has not been reported in the literature in individuals affected with OSGEP-related conditions. Algorithms developed to predict the effect of missense changes on protein structure and function (SIFT, PolyPhen-2, Align-GVGD) all suggest that this variant is likely to be tolerated. In summary, the available evidence is currently insufficient to determine the role of this variant in disease. Therefore, it has been classified as a Variant of Uncertain Significance.

NM_017807.4(OSGEP):c.820G>A (p.Ala274Thr)

Gene: OSGEP (O-sialoglycoprotein endopeptidase; minus strand). Cytogenetic location: 14q11.2.
Variant type: single nucleotide variant.
Coding change: c.820G>A on transcript NM_017807.4 (MANE Select); coding-DNA position 820, G replaced by A.
Protein change: p.Ala274Thr; replaces alanine 274 with threonine.
Molecular consequence: missense variant.
Genome position (GRCh38, 1-based): chr14:20,447,664, C>T on the plus strand (G>A on the coding strand, the complement: OSGEP is on the minus strand). VCF-style: chr14-20447664-C-T. GRCh37 (hg19) VCF-style: chr14-20915823-C-T.
Other names: short protein forms A274T.
Identifiers: ClinVar variation 1360520 (VCV001360520.8), dbSNP rs571541617, ClinGen allele CA7081073.
Genomic context (GRCh38, chr14:20,447,664, plus strand): 5'-AGTGTCTTTACCTCTCATCTGTAGCAAAAAGCCGGGCTCCACGTTCCTGGCACATTGTTG[C>T]CATCATCTCCTGTAGCCTCACATTACCTACAAAGAGGCAGGGAACAGGATTAGCTTAGTT-3'
Protein context (NP_060277.1, residues 264-284): GCNVRLQEMM[Ala274Thr]TMCQERGARL